The following is an entry in ClinVar:

NM_001130438.3(SPTAN1):c.-4+56C>G

Genes: SPTAN1 (spectrin alpha, non-erythrocytic 1; plus strand), LOC130002712 (ATAC-STARR-seq lymphoblastoid silent region 20345; plus strand). Cytogenetic location: 9q34.11.
Variant type: single nucleotide variant.
Coding change: c.-4+56C>G on transcript NM_001130438.3 (MANE Select); 56 bases into the intron after 4 bases upstream of the start codon, C replaced by G.
Molecular consequence: intron variant. On other transcripts: 5 prime UTR variant (4).
Genome position (GRCh38, 1-based): chr9:128,552,752, C>G. VCF-style: chr9-128552752-C-G. GRCh37 (hg19) VCF-style: chr9-131315031-C-G.
Other names: c.-563C>G (NM_001375311.2, NM_001375314.2); c.-578C>G (NM_001375312.2, NM_001375318.1); c.-4+56C>G (NM_001375310.1, NM_001363759.2, NM_001375313.1 and 3 more transcripts).
Identifiers: ClinVar variation 1700714 (VCV001700714.2), dbSNP rs556112512, ClinGen allele CA200411605.

ClinVar aggregate classification (germline): Likely benign (1 of 4 stars; one submission).

Allele frequency attached by ClinVar (database versions not stated): 1000 Genomes Project 0.00260; 1000 Genomes Project 30x 0.00578; TOPMed 0.00622.

Submission:

GeneDx
Classification: Likely benign. Last evaluated: 2022-02-08. Review status: criteria provided, single submitter. Criteria: GeneDx Variant Classification Process June 2021. Collection method: clinical testing. Allele origin: germline. Affected: yes.
Comment: See Variant Classification Assertion Criteria.